The following is an entry in ClinVar:

NM_022168.4(IFIH1):c.3005A>C (p.Lys1002Thr)

Gene: IFIH1 (interferon induced with helicase C domain 1; minus strand). Cytogenetic location: 2q24.2.
Variant type: single nucleotide variant.
Coding change: c.3005A>C on transcript NM_022168.4 (MANE Select); coding-DNA position 3005, A replaced by C.
Protein change: p.Lys1002Thr; replaces lysine 1002 with threonine.
Molecular consequence: missense variant.
Genome position (GRCh38, 1-based): chr2:162,267,273, T>G on the plus strand (A>C on the coding strand, the complement: IFIH1 is on the minus strand). VCF-style: chr2-162267273-T-G. GRCh37 (hg19) VCF-style: chr2-163123783-T-G.
Other names: short protein forms K1002T.
Identifiers: ClinVar variation 2922300 (VCV002922300.3), dbSNP rs1165389983, ClinGen allele CA348988886.

ClinVar aggregate classification (germline): Uncertain significance (1 of 4 stars; one submission).

Conditions:
Singleton-Merten syndrome 1 (SGMRT1). Also called: Syndrome of widened medullary cavities of the metacarpals and phalanges, aortic calcification and abnormal dentition; Widened medullary cavities of bone, aortic calcification, abnormal dentition, and muscular weakness. Identifiers: Orphanet 85191, MedGen C4225427, MONDO:0024535, OMIM 182250.
Aicardi-Goutieres syndrome 7 (AGS7). Identifiers: Orphanet 51, MedGen C3888244, MONDO:0014367, OMIM 615846.

Submission:

Labcorp Genetics (formerly Invitae), Labcorp
Classification: Uncertain significance for Aicardi-Goutieres syndrome 7; Singleton-Merten syndrome 1. Last evaluated: 2024-01-19. Review status: criteria provided, single submitter. Criteria: Invitae Variant Classification Sherloc (09022015). Collection method: clinical testing. Allele origin: germline.
Comment: This sequence change replaces lysine, which is basic and polar, with threonine, which is neutral and polar, at codon 1002 of the IFIH1 protein (p.Lys1002Thr). This variant is not present in population databases (gnomAD no frequency). This variant has not been reported in the literature in individuals affected with IFIH1-related conditions. Advanced modeling of protein sequence and biophysical properties (such as structural, functional, and spatial information, amino acid conservation, physicochemical variation, residue mobility, and thermodynamic stability) has been performed at Invitae for this missense variant, however the output from this modeling did not meet the statistical confidence thresholds required to predict the impact of this variant on IFIH1 protein function. In summary, the available evidence is currently insufficient to determine the role of this variant in disease. Therefore, it has been classified as a Variant of Uncertain Significance.